The following is an entry in ClinVar:

NM_000038.6(APC):c.7565C>G (p.Pro2522Arg)

Gene: APC (APC regulator of Wnt signaling pathway; plus strand). Cytogenetic location: 5q22.2.
Variant type: single nucleotide variant.
Coding change: c.7565C>G on transcript NM_000038.6 (MANE Select); coding-DNA position 7565, C replaced by G.
Protein change: p.Pro2522Arg; replaces proline 2522 with arginine.
Molecular consequence: missense variant.
Genome position (GRCh38, 1-based): chr5:112,843,159, C>G. VCF-style: chr5-112843159-C-G. GRCh37 (hg19) VCF-style: chr5-112178856-C-G.
Other names: c.7565C>G, p.Pro2522Arg (NM_001127510.3, NM_001354895.2); c.7511C>G, p.Pro2504Arg (NM_001127511.3); c.7619C>G, p.Pro2540Arg (NM_001354896.2); c.7595C>G, p.Pro2532Arg (NM_001354897.2); c.7490C>G, p.Pro2497Arg (NM_001354898.2); c.7481C>G, p.Pro2494Arg (NM_001354899.2); c.7442C>G, p.Pro2481Arg (NM_001354900.2); c.7388C>G, p.Pro2463Arg (NM_001354901.2); and 5 more; short protein forms P2522R, P2504R, P2396R, P2239R, P2421R, P2497R, P2532R, P2540R.
Identifiers: ClinVar variation 411487 (VCV000411487.18), dbSNP rs763438389, ClinGen allele CA16037774.

ClinVar aggregate classification (germline): Uncertain significance. Review status: criteria provided, multiple submitters, no conflicts (2 of 4 stars). 4 submissions from 4 submitters: Uncertain significance (4). Last evaluated 2025-08-13.

Conditions:
Hereditary cancer-predisposing syndrome. Also called: Tumor predisposition; Hereditary Cancer Syndrome; Hereditary neoplastic syndrome; Neoplastic Syndromes, Hereditary. Identifiers: Orphanet 140162, MedGen C0027672, MeSH D009386, MONDO:0015356.
Familial adenomatous polyposis 1 (FAP1). Also called: FAMILIAL ADENOMATOUS POLYPOSIS 1, ATTENUATED; POLYPOSIS, ADENOMATOUS INTESTINAL. Identifiers: MedGen C2713442, MONDO:0021056, OMIM 175100. Disease mechanism: loss of function.

gnomAD v4.1: 6 of 1,613,726 alleles (0.00037%); highest among the groups gnomAD compares: Non-Finnish European, 0.00051%; no homozygotes.

Submissions (4):

Quest Diagnostics Nichols Institute San Juan Capistrano
Classification: Uncertain significance. Last evaluated: 2025-08-13. Review status: criteria provided, single submitter. Criteria: Quest Diagnostics criteria. Collection method: clinical testing. Allele origin: unknown.
Comment: The APC c.7565C>G (p.Pro2522Arg) variant has not been reported in individuals with APC-related conditions in the published literature. The frequency of this variant in the general population (Genome Aggregation Database) is uninformative in the assessment of its pathogenicity. Analysis of this variant using bioinformatics tools for the prediction of the effect of amino acid changes on protein structure and function yielded conflicting predictions that this variant is deleterious or benign. Based on the available information, we are unable to determine the clinical significance of this variant.

Color Diagnostics, LLC DBA Color Health
Classification: Uncertain significance for Hereditary cancer-predisposing syndrome. Last evaluated: 2023-12-05. Review status: criteria provided, single submitter. Criteria: ACMG Guidelines, 2015. Collection method: clinical testing. Allele origin: germline.
Comment: This missense variant replaces proline with arginine at codon 2522 of the APC protein. Computational prediction suggests that this variant may not impact protein structure and function (internally defined REVEL score threshold <= 0.5, PMID: 27666373). To our knowledge, functional studies have not been reported for this variant. This variant has not been reported in individuals affected with APC-related disorders in the literature. This variant has been identified in 1/250882 chromosomes in the general population by the Genome Aggregation Database (gnomAD). The available evidence is insufficient to determine the role of this variant in disease conclusively. Therefore, this variant is classified as a Variant of Uncertain Significance.

Labcorp Genetics (formerly Invitae), Labcorp
Classification: Uncertain significance for Familial adenomatous polyposis 1. Last evaluated: 2021-11-12. Review status: criteria provided, single submitter. Criteria: Invitae Variant Classification Sherloc (09022015). Collection method: clinical testing. Allele origin: germline.
Comment: This sequence change replaces proline, which is neutral and non-polar, with arginine, which is basic and polar, at codon 2522 of the APC protein (p.Pro2522Arg). This variant is present in population databases (no rsID available, gnomAD 0.0009%). This variant has not been reported in the literature in individuals affected with APC-related conditions. ClinVar contains an entry for this variant (Variation ID: 411487). Algorithms developed to predict the effect of missense changes on protein structure and function (SIFT, PolyPhen-2, Align-GVGD) all suggest that this variant is likely to be tolerated. In summary, the available evidence is currently insufficient to determine the role of this variant in disease. Therefore, it has been classified as a Variant of Uncertain Significance.

Ambry Genetics
Classification: Uncertain significance for Hereditary cancer-predisposing syndrome. Last evaluated: 2017-09-01. Review status: criteria provided, single submitter. Criteria: Ambry Variant Classification Scheme 2023. Collection method: clinical testing. Allele origin: germline.
Comment: The p.P2522R variant (also known as c.7565C>G), located in coding exon 15 of the APC gene, results from a C to G substitution at nucleotide position 7565. The proline at codon 2522 is replaced by arginine, an amino acid with dissimilar properties. This amino acid position is well conserved in available vertebrate species. In addition, in silico predictors for this gene do not accurately predict pathogenicity. Since supporting evidence is limited at this time, the clinical significance of this alteration remains unclear.